The following is an entry in ClinVar:

NM_000077.5(CDKN2A):c.239G>A (p.Arg80Gln)

Gene: CDKN2A (cyclin dependent kinase inhibitor 2A; minus strand). Cytogenetic location: 9p21.3.
Variant type: single nucleotide variant.
Coding change: c.239G>A on transcript NM_000077.5; coding-DNA position 239, G replaced by A.
Protein change: p.Arg80Gln; replaces arginine 80 with glutamine.
Molecular consequence: missense variant (on NM_000077.6). On other transcripts: synonymous variant (1), 3 prime UTR variant (1).
Genome position (GRCh38, 1-based): chr9:21,971,120, C>T on the plus strand (G>A on the coding strand, the complement: CDKN2A is on the minus strand). VCF-style: chr9-21971120-C-T. GRCh37 (hg19) VCF-style: chr9-21971119-C-T.
Other names: c.239G>A, p.Arg80Gln (NM_000077.6, NM_001195132.2); c.86G>A, p.Arg29Gln (NM_001363763.2); c.282G>A, p.Pro94= (NM_058195.4); c.*162G>A (NM_058197.5); short protein forms R80Q, R29Q.
Identifiers: ClinVar variation 376385 (VCV000376385.14), dbSNP rs1057519883, ClinGen allele CA16602824.

ClinVar aggregate classification (germline): Uncertain significance. Review status: criteria provided, multiple submitters, no conflicts (2 of 4 stars). 3 submissions from 3 submitters: Uncertain significance (3). Last evaluated 2025-09-29.

Conditions:
Hereditary cancer-predisposing syndrome. Also called: Tumor predisposition; Neoplastic Syndromes, Hereditary; Hereditary neoplastic syndrome; Hereditary Cancer Syndrome. Identifiers: Orphanet 140162, MedGen C0027672, MeSH D009386, MONDO:0015356.
Familial melanoma. Also called: Hereditary melanoma; Hereditary cutaneous melanoma. Identifiers: Orphanet 618, MedGen C1512419, MONDO:0018961.

gnomAD v4.1: 6 of 1,604,040 alleles (0.00037%); highest among the groups gnomAD compares: African/African-American, 0.0027%; no homozygotes.

Submissions (3):

Ambry Genetics
Classification: Uncertain significance for Hereditary cancer-predisposing syndrome. Last evaluated: 2025-09-29. Review status: criteria provided, single submitter. Criteria: Ambry Variant Classification Scheme 2023. Collection method: clinical testing. Allele origin: germline.
Comment: The p.R80Q variant (also known as c.239G>A), located in coding exon 2 of the CDKN2A gene, results from a G to A substitution at nucleotide position 239. The arginine at codon 80 is replaced by glutamine, an amino acid with highly similar properties. This amino acid position is not well conserved in available vertebrate species. In addition, this alteration is predicted to be tolerated by in silico analysis. Based on the available evidence, the clinical significance of this variant remains unclear.

Labcorp Genetics (formerly Invitae), Labcorp
Classification: Uncertain significance for Familial melanoma. Last evaluated: 2022-02-27. Review status: criteria provided, single submitter. Criteria: Invitae Variant Classification Sherloc (09022015). Collection method: clinical testing. Allele origin: germline.
Comment: This sequence change replaces arginine, which is basic and polar, with glutamine, which is neutral and polar, at codon 80 of the CDKN2A (p16INK4a) protein (p.Arg80Gln). This variant is not present in population databases (gnomAD no frequency). This variant has not been reported in the literature in individuals affected with CDKN2A (p16INK4a)-related conditions. ClinVar contains an entry for this variant (Variation ID: 376385). Algorithms developed to predict the effect of missense changes on protein structure and function (SIFT, PolyPhen-2, Align-GVGD) all suggest that this variant is likely to be tolerated. In summary, the available evidence is currently insufficient to determine the role of this variant in disease. Therefore, it has been classified as a Variant of Uncertain Significance.

Color Diagnostics, LLC DBA Color Health
Classification: Uncertain significance for Hereditary cancer-predisposing syndrome. Last evaluated: 2019-10-22. Review status: criteria provided, single submitter. Criteria: ACMG Guidelines, 2015. Collection method: clinical testing. Allele origin: germline.
Comment: This missense variant replaces arginine with glutamine at codon 80 of the CDKN2A protein. Computational prediction is inconclusive regarding the impact of this variant on protein structure and function (internally defined REVEL score threshold 0.5 < inconclusive < 0.7, PMID: 27666373). Splice site prediction tools suggest that this variant may not impact RNA splicing. To our knowledge, functional studies have not been performed for this variant. This variant has not been reported in individuals affected with hereditary cancer in the literature. This variant has not been identified in the general population by the Genome Aggregation Database (gnomAD). The available evidence is insufficient to determine the role of this variant in disease conclusively. Therefore, this variant is classified as a Variant of Uncertain Significance.